The following is an entry in ClinVar:

NM_002645.4(PIK3C2A):c.1210C>G (p.Pro404Ala)

Gene: PIK3C2A (phosphatidylinositol-4-phosphate 3-kinase catalytic subunit type 2 alpha; minus strand). Cytogenetic location: 11p15.1.
Variant type: single nucleotide variant.
Coding change: c.1210C>G on transcript NM_002645.4 (MANE Select); coding-DNA position 1210, C replaced by G.
Protein change: p.Pro404Ala; replaces proline 404 with alanine.
Molecular consequence: missense variant.
Genome position (GRCh38, 1-based): chr11:17,150,615, G>C on the plus strand (C>G on the coding strand, the complement: PIK3C2A is on the minus strand). VCF-style: chr11-17150615-G-C. GRCh37 (hg19) VCF-style: chr11-17172162-G-C.
Other names: c.1210C>G, p.Pro404Ala (NM_001321378.2, NM_001386870.1); c.70C>G, p.Pro24Ala (NM_001321380.2); short protein forms P404A, P24A.
Identifiers: ClinVar variation 4693796 (VCV004693796.1).

ClinVar aggregate classification (germline): Uncertain significance (1 of 4 stars; one submission).

gnomAD v4.1: 27 of 1,608,576 alleles (0.0017%); highest among the groups gnomAD compares: South Asian, 0.027%; no homozygotes.

Submission:

Labcorp Genetics (formerly Invitae), Labcorp
Classification: Uncertain significance. Last evaluated: 2025-10-08. Review status: criteria provided, single submitter. Criteria: Invitae Variant Classification Sherloc (09022015). Collection method: clinical testing. Allele origin: germline.
Comment: This sequence change replaces proline, which is neutral and non-polar, with alanine, which is neutral and non-polar, at codon 404 of the PIK3C2A protein (p.Pro404Ala). This variant is present in population databases (rs529451388, gnomAD 0.03%). This variant has not been reported in the literature in individuals affected with PIK3C2A-related conditions. An algorithm developed to predict the effect of missense changes on protein structure and function (PolyPhen-2) suggests that this variant is likely to be tolerated. In summary, the available evidence is currently insufficient to determine the role of this variant in disease. Therefore, it has been classified as a Variant of Uncertain Significance.